The following is an entry in ClinVar:

NM_023036.6(DNAI2):c.1743A>C (p.Glu581Asp)

Gene: DNAI2 (dynein axonemal intermediate chain 2; plus strand). Cytogenetic location: 17q25.1.
Variant type: single nucleotide variant.
Coding change: c.1743A>C on transcript NM_023036.6 (MANE Select); coding-DNA position 1743, A replaced by C.
Protein change: p.Glu581Asp; replaces glutamic acid 581 with aspartic acid.
Molecular consequence: missense variant. On other transcripts: non-coding transcript variant (1).
Genome position (GRCh38, 1-based): chr17:74,314,141, A>C. VCF-style: chr17-74314141-A-C. GRCh37 (hg19) VCF-style: chr17-72310280-A-C.
Other names: c.1707A>C, p.Glu569Asp (NM_001172810.3); c.1875A>C, p.Glu625Asp (NM_001353167.2); short protein forms E569D, E581D, E625D.
Identifiers: ClinVar variation 1779230 (VCV001779230.2), dbSNP rs2053692827, ClinGen allele CA400914584.

ClinVar aggregate classification (germline): Uncertain significance (1 of 4 stars; one submission).

Conditions:
Primary ciliary dyskinesia. Also called: Ciliary dyskinesia. Identifiers: Orphanet 244, MedGen C0008780, MONDO:0016575, HP:0012265.

Allele frequency attached by ClinVar (database versions not stated): gnomAD exomes below 0.00001; gnomAD 0.00001.
gnomAD v4.1: 2 of 1,614,084 alleles (0.00012%); highest among the groups gnomAD compares: South Asian, 0.0022%; no homozygotes.

Submission:

Ambry Genetics
Classification: Uncertain significance for Primary ciliary dyskinesia. Last evaluated: 2022-05-02. Review status: criteria provided, single submitter. Criteria: Ambry Variant Classification Scheme 2023. Collection method: clinical testing. Allele origin: germline.
Comment: The p.E581D variant (also known as c.1743A>C), located in coding exon 12 of the DNAI2 gene, results from an A to C substitution at nucleotide position 1743. The glutamic acid at codon 581 is replaced by aspartic acid, an amino acid with highly similar properties. This amino acid position is conserved. In addition, this alteration is predicted to be tolerated by in silico analysis. Since supporting evidence is limited at this time, the clinical significance of this alteration remains unclear.